The following is an entry in ClinVar:

ClinVar aggregate classification (germline): Uncertain significance. Review status: criteria provided, multiple submitters, no conflicts (2 of 4 stars). 4 submissions from 4 submitters: Uncertain significance (4). Last evaluated 2026-01-06.

Conditions:
Colorectal cancer, susceptibility to, 12 (CRCS12). Also called: COLORECTAL CANCER, SUSCEPTIBILITY TO, ON CHROMOSOME 12q24. Identifiers: Orphanet 220460, MedGen C3554460, MONDO:0014038, OMIM 615083.
Facial dysmorphism-immunodeficiency-livedo-short stature syndrome. Also called: Facial dysmorphism, immunodeficiency, livedo, and short stature; FILS syndrome. Identifiers: Orphanet 352712, MedGen C3554576, MONDO:0014058, OMIM 615139.
Intrauterine growth retardation, metaphyseal dysplasia, adrenal hypoplasia congenita, genital anomalies, and immunodeficiency. Also called: IMAGEI SYNDROME. Identifiers: MedGen C5193036, MONDO:0032684, OMIM 618336.
Hereditary cancer-predisposing syndrome. Also called: Hereditary neoplastic syndrome; Tumor predisposition; Hereditary Cancer Syndrome; Neoplastic Syndromes, Hereditary. Identifiers: Orphanet 140162, MedGen C0027672, MeSH D009386, MONDO:0015356.

Allele frequency attached by ClinVar (database versions not stated): gnomAD exomes 0.00001 and 0.00003; ExAC 0.00002; ESP Exome Variant Server 0.00008; gnomAD 0.00014; TOPMed 0.00016.
gnomAD v4.1: 38 of 1,613,916 alleles (0.0024%); highest among the groups gnomAD compares: African/African-American, 0.048%; no homozygotes.

Submissions (4):

Labcorp Genetics (formerly Invitae), Labcorp
Classification: Uncertain significance. Last evaluated: 2026-01-06. Review status: criteria provided, single submitter. Criteria: Invitae Variant Classification Sherloc (09022015). Collection method: clinical testing. Allele origin: germline.
Comment: This sequence change replaces methionine, which is neutral and non-polar, with isoleucine, which is neutral and non-polar, at codon 829 of the POLE protein (p.Met829Ile). This variant is present in population databases (rs372109189, gnomAD 0.04%). This variant has not been reported in the literature in individuals affected with POLE-related conditions. ClinVar contains an entry for this variant (Variation ID: 220755). Invitae Evidence Modeling of protein sequence and biophysical properties (such as structural, functional, and spatial information, amino acid conservation, physicochemical variation, residue mobility, and thermodynamic stability) has been performed for this missense variant. However, the output from this modeling did not meet the statistical confidence thresholds required to predict the impact of this variant on POLE protein function. RNA analysis performed to evaluate the impact of this missense change on mRNA splicing indicates it does not significantly alter splicing (internal data). In summary, the available evidence is currently insufficient to determine the role of this variant in disease. Therefore, it has been classified as a Variant of Uncertain Significance.

Ambry Genetics
Classification: Uncertain significance for Hereditary cancer-predisposing syndrome. Last evaluated: 2025-11-08. Review status: criteria provided, single submitter. Criteria: Ambry Variant Classification Scheme 2023. Collection method: clinical testing. Allele origin: germline.

GeneDx
Classification: Uncertain significance. Last evaluated: 2024-07-02. Review status: criteria provided, single submitter. Criteria: GeneDx Variant Classification Process June 2021. Collection method: clinical testing. Allele origin: germline. Affected: yes.
Comment: Has not been previously published as pathogenic or benign to our knowledge; In silico analysis supports that this missense variant has a deleterious effect on protein structure/function; In silico analysis suggests this variant may impact gene splicing. In the absence of RNA/functional studies, the actual effect of this sequence change is unknown.; This variant is associated with the following publications: (PMID: 29056344, 20951805)

Fulgent Genetics
Classification: Uncertain significance for Colorectal cancer, susceptibility to, 12; Facial dysmorphism-immunodeficiency-livedo-short stature syndrome; Intrauterine growth retardation, metaphyseal dysplasia, adrenal hypoplasia congenita, genital anomalies, and immunodeficiency. Last evaluated: 2024-01-22. Review status: criteria provided, single submitter. Criteria: ACMG Guidelines, 2015. Collection method: clinical testing. Allele origin: germline.

NM_006231.4(POLE):c.2487G>A (p.Met829Ile)

Gene: POLE (DNA polymerase epsilon, catalytic subunit; minus strand). Cytogenetic location: 12q24.33.
Variant type: single nucleotide variant.
Coding change: c.2487G>A on transcript NM_006231.4 (MANE Select); coding-DNA position 2487, G replaced by A.
Protein change: p.Met829Ile; replaces methionine 829 with isoleucine.
Molecular consequence: missense variant.
Genome position (GRCh38, 1-based): chr12:132,664,444, C>T on the plus strand (G>A on the coding strand, the complement: POLE is on the minus strand). VCF-style: chr12-132664444-C-T. GRCh37 (hg19) VCF-style: chr12-133241030-C-T.
Other names: short protein forms M829I.
Identifiers: ClinVar variation 220755 (VCV000220755.17), dbSNP rs372109189, ClinGen allele CA349956.